The following is an entry in ClinVar:

ClinVar aggregate classification (germline): Uncertain significance (1 of 4 stars; one submission).

Submission:

Labcorp Genetics (formerly Invitae), Labcorp
Classification: Uncertain significance. Last evaluated: 2024-01-02. Review status: criteria provided, single submitter. Criteria: Invitae Variant Classification Sherloc (09022015). Collection method: clinical testing. Allele origin: germline.
Comment: This sequence change replaces alanine, which is neutral and non-polar, with valine, which is neutral and non-polar, at codon 428 of the COL2A1 protein (p.Ala428Val). This variant is not present in population databases (gnomAD no frequency). This variant has not been reported in the literature in individuals affected with COL2A1-related conditions. Advanced modeling of protein sequence and biophysical properties (such as structural, functional, and spatial information, amino acid conservation, physicochemical variation, residue mobility, and thermodynamic stability) performed at Invitae indicates that this missense variant is not expected to disrupt COL2A1 protein function with a negative predictive value of 95%. In summary, the available evidence is currently insufficient to determine the role of this variant in disease. Therefore, it has been classified as a Variant of Uncertain Significance.

NM_001844.5(COL2A1):c.1283C>T (p.Ala428Val)

Gene: COL2A1 (collagen type II alpha 1 chain; minus strand). Cytogenetic location: 12q13.11.
Variant type: single nucleotide variant.
Coding change: c.1283C>T on transcript NM_001844.5 (MANE Select); coding-DNA position 1283, C replaced by T.
Protein change: p.Ala428Val; replaces alanine 428 with valine.
Molecular consequence: missense variant.
Genome position (GRCh38, 1-based): chr12:47,987,160, G>A on the plus strand (C>T on the coding strand, the complement: COL2A1 is on the minus strand). VCF-style: chr12-47987160-G-A. GRCh37 (hg19) VCF-style: chr12-48380943-G-A.
Other names: c.1076C>T, p.Ala359Val (NM_033150.3); short protein forms A428V, A359V.
Identifiers: ClinVar variation 2752895 (VCV002752895.3), dbSNP rs1939466968, ClinGen allele CA384554012.